The following is an entry in ClinVar:

ClinVar aggregate classification (germline): Pathogenic. Review status: reviewed by expert panel (3 of 4 stars). 27 submissions from 26 submitters: Pathogenic (1). 26 of the submissions do not count toward it. Last evaluated 2025-12-05.

Conditions:
Autosomal recessive ABCA4-related disorders.
ABCA4-related retinopathy. Also called: ABCA4 retinoapthy; ABCA4-related retinoapthy. Identifiers: MedGen CN322612, MONDO:0800406.
ABCA4-related disorder. Also called: ABCA4-related condition; ABCA4-related disorders. Identifiers: MedGen CN239167.
Cone-rod dystrophy 3 (CORD3). Identifiers: Orphanet 1872, MedGen C1858806, MONDO:0011395, OMIM 604116.
Retinitis pigmentosa 19 (RP19). Also called: ABCA4-Related Retinitis Pigmentosa. Identifiers: Orphanet 791, MedGen C1866422, MONDO:0011137, OMIM 601718.
Severe early-childhood-onset retinal dystrophy (STGD1). Also called: Stargardt macular dystrophy; Juvenile onset macular degeneration; Stargardt disease 1; MACULAR DYSTROPHY WITH FLECKS, TYPE 1; STGD. Identifiers: Orphanet 364055, Orphanet 827, MedGen C1855465, MeSH D000080362, MONDO:0009549, OMIM 248200.
Retinal dystrophy. Also called: Inherited retinal dystrophy. Identifiers: Orphanet 71862, MedGen C0854723, MeSH D058499, MONDO:0019118, HP:0000556.
Age related macular degeneration 2. Also called: MACULAR DEGENERATION, SENILE; MACULOPATHY, AGE-RELATED, 2; MACULOPATHY, AGE-RELATED. Identifiers: MedGen C3495438, MONDO:0007932, OMIM 153800.
Stargardt disease (FFM). Also called: Stargardt's disease; Fundus flavimaculatus. Identifiers: Orphanet 827, MedGen C0271093, MONDO:0019353.
Stargardt disease 3. Also called: MACULAR DYSTROPHY WITH FLECKS, TYPE 3; STARGARDT-LIKE MACULAR DYSTROPHY, AUTOSOMAL DOMINANT. Identifiers: Orphanet 827, MedGen C1838644, MONDO:0010819, OMIM 600110.
Retinal disorder. Also called: Retinopathies; Retinal Diseases; Retinal disorders; Retinopathy. Identifiers: MedGen C0035309, MONDO:0005283, HP:0000488.

Allele frequency attached by ClinVar (database versions not stated): gnomAD 0.00007 and 0.00008; TOPMed 0.00010; ExAC 0.00012.
gnomAD v4.1: 183 of 1,613,308 alleles (0.011%); highest among the groups gnomAD compares: Admixed American, 0.033%; no homozygotes.

Submissions 1 to 8 of 27:

ClinGen ABCA4 Variant Curation Expert Panel, Clingen
Classification: Pathogenic for ABCA4-related retinopathy. Last evaluated: 2025-12-05. Review status: reviewed by expert panel. Criteria: ClinGen ABCA4 ACMG Specifications V1.0.0. Collection method: curation. Allele origin: germline. Inheritance: Autosomal recessive inheritance.
Comment: The NM_000350.3(ABCA4):c.634C>T variant in ABCA4 is a missense variant predicted to cause substitution of arginine by cysteine at amino acid 212 (p.Arg212Cys). The total minor allele frequency in gnomAD v4.1.0 is 0.0001134 (183/1613308 alleles), and the GroupMax filtering allele frequency is 0.00022087. This is higher than the ClinGen ABCA4 VCEP’s threshold for PM2_Supporting (<0.0001), and lower than the threshold for BS1 (>0.0163). Therefore, none of the population data codes are met. The computational predictor REVEL gives a score of 0.847 which is above the threshold of >0.772, evidence that predicts a damaging effect on ABCA4 function (PP3_Moderate). The prevalence of the variant in affected individuals is significantly increased compared with the prevalence in controls. The OR is 100.1 and the CI is 55.99 to 192.76, which is above the ABCA4 VCEP threshold of ≥5, where the CI does not contain 1 (PS4; PMID: 35120629). This variant has been detected in at least five individuals with ABCA4-related retinopathy, who were compound heterozygous for the variant and a pathogenic, phase unconfirmed (PMID: 19265867, 34073554, PM3_Strong). In summary, this variant meets the criteria to be classified as pathogenic for ABCA4-related retinopathy based on the ACMG/AMP criteria applied, as specified by the ClinGen ABCA4 VCEP (Specification Version 1.0): PM3_Strong, PS4, PP3_Moderate.

PreventionGenetics, part of Exact Sciences
Classification: Pathogenic for ABCA4-related condition. Last evaluated: 2026-09-15. Review status: criteria provided, single submitter. Criteria: ACMG Guidelines, 2015. Collection method: clinical testing. Allele origin: germline. Not counted in ClinVar's aggregate classification.
Comment: The ABCA4 c.634C>T variant is predicted to result in the amino acid substitution p.Arg212Cys. This variant has been reported many times as causative of autosomal recessive retinal disease (see for examples: Alapati et al. 2014. PubMed ID: 25082885; Table S1, Birtel et al. 2018. PubMed ID: 29555955; Table S1, Lin et al. 2024. PubMed ID: 38219857). This variant is present in 0.045% of alleles in individuals of Latino descent in gnomAD. This variant is interpreted as pathogenic.

Genetics Laboratory, Great Ormond Street Hospital NHS Foundation Trust, North Thames Genomic Laboratory Hub
Classification: Pathogenic for Retinal disorders. Last evaluated: 2026-06-16. Review status: criteria provided, single submitter. Criteria: ACGS Best Practice Guidelines for Variant Classification in Rare Disease 2024 v1.2. Collection method: clinical testing. Allele origin: germline. Affected: yes. Not counted in ClinVar's aggregate classification.
Comment: PM2_moderate, PP3_supporting, PS3_moderate, PM3_very-strong

Labcorp Genetics (formerly Invitae), Labcorp
Classification: Pathogenic. Last evaluated: 2026-02-02. Review status: criteria provided, single submitter. Criteria: Invitae Variant Classification Sherloc (09022015). Collection method: clinical testing. Allele origin: germline. Not counted in ClinVar's aggregate classification.
Comment: This sequence change replaces arginine, which is basic and polar, with cysteine, which is neutral and slightly polar, at codon 212 of the ABCA4 protein (p.Arg212Cys). This variant is present in population databases (rs61750200, gnomAD 0.05%). This missense change has been observed in individual(s) with Stargardt disease (PMID: 10458172, 10711710, 26161775, 29925512, 30093795). In at least one individual the data is consistent with being in trans (on the opposite chromosome) from a pathogenic variant. It has also been observed to segregate with disease in related individuals. ClinVar contains an entry for this variant (Variation ID: 7898). Invitae Evidence Modeling of protein sequence and biophysical properties (such as structural, functional, and spatial information, amino acid conservation, physicochemical variation, residue mobility, and thermodynamic stability) indicates that this missense variant is expected to disrupt ABCA4 protein function with a positive predictive value of 95%. For these reasons, this variant has been classified as Pathogenic.

Variantyx, Inc.
Classification: Pathogenic for Autosomal recessive ABCA4-related disorders. Last evaluated: 2025-12-18. Review status: criteria provided, single submitter. Criteria: Variantyx Assertion Criteria 2022. Collection method: clinical testing. Allele origin: germline. Inheritance: Autosomal recessive inheritance. Affected: no. Not counted in ClinVar's aggregate classification.
Comment: This is a nonsynonymous variant in the ABCA4 gene (OMIM: 601691). Pathogenic variants in this gene have been associated with autosomal recessive ABCA4-related disorders. This variant lies within a known hotspot for pathogenic variants or a well-established critical functional domain of the ABCA4 protein (PMID: 35194496) (PM1). Multiple computational algorithms predict a deleterious effect for this variant (REVEL score: 0.847) (PP3). It has a 0.0333% maximum allele frequency in non-founder control populations (PM2). Based on the current evidence, this variant is classified as pathogenic for autosomal recessive ABCA4-related disorders.

First Genomix Gene Laboratory, Genetic Diagnostics Department
Classification: Pathogenic for Cone-rod dystrophy 3; Severe early-childhood-onset retinal dystrophy; Retinitis pigmentosa 19. Last evaluated: 2025-03-20. Review status: criteria provided, single submitter. Criteria: ACMG Guidelines, 2015. Collection method: clinical testing. Allele origin: germline. Inheritance: Autosomal recessive inheritance. Affected: no. Observed: 1 variant allele. Not counted in ClinVar's aggregate classification.

SingHealth Duke-NUS Institute of Precision Medicine
Classification: Likely pathogenic for Severe early-childhood-onset retinal dystrophy. Last evaluated: 2025-02-05. Review status: criteria provided, single submitter. Criteria: PRISM ACMG Classification Criteria. Collection method: clinical testing. Allele origin: germline. Affected: yes. Not counted in ClinVar's aggregate classification.
Comment: Variant is located in a mutational hotspot where >50% of variants are pathogenic (PM1). Homozygous allele count is less than 0 in gnomAD exomes and genomes (PM2). REVEL score is 0.847 (PP3_mod). Cosegregation with disease is observed in multiple families (PP1, PMID:10711710)

Blueprint Genetics
Classification: Pathogenic for ABCA4-related disorders. Last evaluated: 2024-10-02. Review status: criteria provided, single submitter. Criteria: ACMG Guidelines, 2015. Collection method: clinical testing. Allele origin: germline. Affected: yes. Observed: 5 variant alleles. Not counted in ClinVar's aggregate classification.

NM_000350.3(ABCA4):c.634C>T (p.Arg212Cys)

Gene: ABCA4 (ATP binding cassette subfamily A member 4; minus strand). Cytogenetic location: 1p22.1.
Variant type: single nucleotide variant.
Coding change: c.634C>T on transcript NM_000350.3 (MANE Select); coding-DNA position 634, C replaced by T.
Protein change: p.Arg212Cys; replaces arginine 212 with cysteine.
Molecular consequence: missense variant.
Genome position (GRCh38, 1-based): chr1:94,098,928, G>A on the plus strand (C>T on the coding strand, the complement: ABCA4 is on the minus strand). VCF-style: chr1-94098928-G-A. GRCh37 (hg19) VCF-style: chr1-94564484-G-A.
Other names: NM_000350.3(ABCA4):c.634C>T; c.634C>T, p.Arg212Cys (NM_001425324.1); short protein forms R212C.
Identifiers: ClinVar variation 7898 (VCV000007898.77), dbSNP rs61750200, ClinGen allele CA203216.